The following is an entry in ClinVar:

NM_006231.4(POLE):c.6245A>G (p.Glu2082Gly)

Gene: POLE (DNA polymerase epsilon, catalytic subunit; minus strand). Cytogenetic location: 12q24.33.
Variant type: single nucleotide variant.
Coding change: c.6245A>G on transcript NM_006231.4 (MANE Select); coding-DNA position 6245, A replaced by G.
Protein change: p.Glu2082Gly; replaces glutamic acid 2082 with glycine.
Molecular consequence: missense variant.
Genome position (GRCh38, 1-based): chr12:132,632,400, T>C on the plus strand (A>G on the coding strand, the complement: POLE is on the minus strand). VCF-style: chr12-132632400-T-C. GRCh37 (hg19) VCF-style: chr12-133208986-T-C.
Other names: c.6245A>G (NM_006231.2); short protein forms E2082G.
Identifiers: ClinVar variation 2898408 (VCV002898408.4), dbSNP rs2138460365, ClinGen allele CA387369557.
Genomic context (GRCh38, chr12:132,632,400, plus strand): 5'-AGGGCAGGGTTATTGAGCAGCAAGTGGGAACCGGGGAGGACAGGAAACATCTCTGAGAGC[T>C]CAGTGGAGTTCCGAGAGCCTGTGACTTTCTTCTGAATCTTCTGAGTGATGGTGAAGAAGC-3'
Protein context (NP_006222.2, residues 2072-2092): KKVTGSRNST[Glu2082Gly]LSEMFPVLPG

ClinVar aggregate classification (germline): Conflicting classifications of pathogenicity. Review status: criteria provided, conflicting classifications (1 of 4 stars). 2 submissions from 2 submitters: Uncertain significance (1); Likely benign (1). Last evaluated 2025-12-05.

Conditions:
Hereditary cancer-predisposing syndrome. Also called: Neoplastic Syndromes, Hereditary; Hereditary neoplastic syndrome; Tumor predisposition; Hereditary Cancer Syndrome. Identifiers: Orphanet 140162, MedGen C0027672, MeSH D009386, MONDO:0015356.

Submissions (2):

Ambry Genetics
Classification: Likely benign for Hereditary cancer-predisposing syndrome. Last evaluated: 2025-12-05. Review status: criteria provided, single submitter. Criteria: Ambry Variant Classification Scheme 2023. Collection method: clinical testing. Allele origin: germline.

Labcorp Genetics (formerly Invitae), Labcorp
Classification: Uncertain significance. Last evaluated: 2022-12-28. Review status: criteria provided, single submitter. Criteria: Invitae Variant Classification Sherloc (09022015). Collection method: clinical testing. Allele origin: germline.
Comment: This sequence change replaces glutamic acid, which is acidic and polar, with glycine, which is neutral and non-polar, at codon 2082 of the POLE protein (p.Glu2082Gly). This variant is not present in population databases (gnomAD no frequency). In summary, the available evidence is currently insufficient to determine the role of this variant in disease. Therefore, it has been classified as a Variant of Uncertain Significance. Advanced modeling of protein sequence and biophysical properties (such as structural, functional, and spatial information, amino acid conservation, physicochemical variation, residue mobility, and thermodynamic stability) performed at Invitae indicates that this missense variant is not expected to disrupt POLE protein function. This variant has not been reported in the literature in individuals affected with POLE-related conditions.